The following is an entry in ClinVar:

NM_004385.5(VCAN):c.8029C>T (p.Pro2677Ser)

Genes: VCAN (versican; plus strand), VCAN-AS1 (VCAN antisense RNA 1; minus strand). Cytogenetic location: 5q14.3.
Variant type: single nucleotide variant.
Coding change: c.8029C>T on transcript NM_004385.5 (MANE Select); coding-DNA position 8029, C replaced by T.
Protein change: p.Pro2677Ser; replaces proline 2677 with serine.
Molecular consequence: missense variant. On other transcripts: intron variant (2).
Genome position (GRCh38, 1-based): chr5:83,541,032, C>T. VCF-style: chr5-83541032-C-T. GRCh37 (hg19) VCF-style: chr5-82836851-C-T.
Other names: c.5068C>T, p.Pro1690Ser (NM_001164097.2); c.4004-4505C>T (NM_001164098.2); c.1043-4505C>T (NM_001126336.3); short protein forms P1690S, P2677S.
Identifiers: ClinVar variation 2793283 (VCV002793283.3), dbSNP rs753119326, ClinGen allele CA3333733.

ClinVar aggregate classification (germline): Uncertain significance (1 of 4 stars; one submission).

Allele frequency attached by ClinVar (database versions not stated): ExAC 0.00001.
gnomAD v4.1: 3 of 1,614,052 alleles (0.00019%); highest among the groups gnomAD compares: Non-Finnish European, 0.00017%; no homozygotes.

Submission:

Labcorp Genetics (formerly Invitae), Labcorp
Classification: Uncertain significance. Last evaluated: 2023-11-14. Review status: criteria provided, single submitter. Criteria: Invitae Variant Classification Sherloc (09022015). Collection method: clinical testing. Allele origin: germline.
Comment: This sequence change replaces proline, which is neutral and non-polar, with serine, which is neutral and polar, at codon 2677 of the VCAN protein (p.Pro2677Ser). This variant is present in population databases (rs753119326, gnomAD no frequency). This variant has not been reported in the literature in individuals affected with VCAN-related conditions. Algorithms developed to predict the effect of missense changes on protein structure and function output the following: SIFT: "Not Available"; PolyPhen-2: "Benign"; Align-GVGD: "Not Available". The serine amino acid residue is found in multiple mammalian species, which suggests that this missense change does not adversely affect protein function. In summary, the available evidence is currently insufficient to determine the role of this variant in disease. Therefore, it has been classified as a Variant of Uncertain Significance.